The following is an entry in ClinVar:

NM_001244008.2(KIF1A):c.4105C>A (p.Leu1369Ile)

Gene: KIF1A (kinesin family member 1A; minus strand). Cytogenetic location: 2q37.3.
Variant type: single nucleotide variant.
Coding change: c.4105C>A on transcript NM_001244008.2 (MANE Select); coding-DNA position 4105, C replaced by A.
Protein change: p.Leu1369Ile; replaces leucine 1369 with isoleucine.
Molecular consequence: missense variant.
Genome position (GRCh38, 1-based): chr2:240,726,843, G>T on the plus strand (C>A on the coding strand, the complement: KIF1A is on the minus strand). VCF-style: chr2-240726843-G-T. GRCh37 (hg19) VCF-style: chr2-241666260-G-T.
Other names: c.3829C>A, p.Leu1277Ile (NM_001320705.2, NM_001379649.1); c.3856C>A, p.Leu1286Ile (NM_001330289.2); c.3904C>A, p.Leu1302Ile (NM_001330290.2, NM_001379648.1); c.4180C>A, p.Leu1394Ile (NM_001379631.1); c.4081C>A, p.Leu1361Ile (NM_001379632.1); c.4078C>A, p.Leu1360Ile (NM_001379633.1, NM_001379645.1); c.3931C>A, p.Leu1311Ile (NM_001379634.1); c.3928C>A, p.Leu1310Ile (NM_001379635.1, NM_001379646.1); and 7 more; short protein forms L1267I, L1286I, L1394I, L1276I, L1277I, L1302I, L1360I, L1369I.
Identifiers: ClinVar variation 1508851 (VCV001508851.6), dbSNP rs2046066994, ClinGen allele CA351308855.

ClinVar aggregate classification (germline): Uncertain significance (1 of 4 stars; one submission).

Conditions:
Hereditary spastic paraplegia 30. Identifiers: Orphanet 101010, MedGen C5235139, MONDO:0012476.
Neuropathy, hereditary sensory, type 2C. Also called: KIF1A-Related HSAN2 (HSAN2C); Hereditary sensory and autonomic neuropathy type IIC. Identifiers: Orphanet 970, MedGen C3280168, MONDO:0013634, OMIM 614213.
Intellectual disability, autosomal dominant 9 (NESCAVS). Also called: KIF1A-Related Neurodevelopmental Disorder; NESCAV SYNDROME. Identifiers: Orphanet 662367, MedGen C5393830, MONDO:0013656, OMIM 614255.

Allele frequency attached by ClinVar (database versions not stated): gnomAD 0.00001.

Submission:

Labcorp Genetics (formerly Invitae), Labcorp
Classification: Uncertain significance for Hereditary spastic paraplegia 30; Neuropathy, hereditary sensory, type 2C; Intellectual disability, autosomal dominant 9. Last evaluated: 2024-10-31. Review status: criteria provided, single submitter. Criteria: Invitae Variant Classification Sherloc (09022015). Collection method: clinical testing. Allele origin: germline.
Comment: This sequence change replaces leucine, which is neutral and non-polar, with isoleucine, which is neutral and non-polar, at codon 1268 of the KIF1A protein (p.Leu1268Ile). This variant is not present in population databases (gnomAD no frequency). This variant has not been reported in the literature in individuals affected with KIF1A-related conditions. ClinVar contains an entry for this variant (Variation ID: 1508851). Invitae Evidence Modeling of protein sequence and biophysical properties (such as structural, functional, and spatial information, amino acid conservation, physicochemical variation, residue mobility, and thermodynamic stability) indicates that this missense variant is not expected to disrupt KIF1A protein function with a negative predictive value of 95%. In summary, the available evidence is currently insufficient to determine the role of this variant in disease. Therefore, it has been classified as a Variant of Uncertain Significance.